The following is an entry in ClinVar:

ClinVar aggregate classification (germline): Uncertain significance (1 of 4 stars; one submission).

Conditions:
FRAS1-related disorder. Also called: FRAS1-related condition.

gnomAD v4.1: 1 of 1,613,686 alleles (0.000062%); highest among the groups gnomAD compares: Non-Finnish European, 0.000085%; no homozygotes.

Submission:

PreventionGenetics, part of Exact Sciences
Classification: Uncertain significance for FRAS1-related condition. Last evaluated: 2025-04-16. Review status: criteria provided, single submitter. Criteria: ACMG Guidelines, 2015. Collection method: clinical testing. Allele origin: germline.
Comment: The FRAS1 c.421G>T variant is predicted to result in the amino acid substitution p.Ala141Ser. To our knowledge, this variant has not been reported in the literature or in a large population database (gnomAD), indicating this variant is rare. At this time, the clinical significance of this variant is uncertain due to the absence of conclusive functional and genetic evidence.

NM_025074.7(FRAS1):c.421G>T (p.Ala141Ser)

Gene: FRAS1 (Fraser extracellular matrix complex subunit 1; plus strand). Cytogenetic location: 4q21.21.
Variant type: single nucleotide variant.
Coding change: c.421G>T on transcript NM_025074.7 (MANE Select); coding-DNA position 421, G replaced by T.
Protein change: p.Ala141Ser; replaces alanine 141 with serine.
Molecular consequence: missense variant.
Genome position (GRCh38, 1-based): chr4:78,252,503, G>T. VCF-style: chr4-78252503-G-T. GRCh37 (hg19) VCF-style: chr4-79173657-G-T.
Other names: c.421G>T, p.Ala141Ser (NM_001166133.2); short protein forms A141S.
Identifiers: ClinVar variation 4987338 (VCV004987338.1).